The following is an entry in ClinVar:

ClinVar aggregate classification (germline): Uncertain significance. Review status: criteria provided, multiple submitters, no conflicts (2 of 4 stars). 2 submissions from 2 submitters: Uncertain significance (2). Last evaluated 2026-04-12.

Conditions:
CYP21A2-related disorder. Also called: CYP21A2-related condition.
21-Hydroxylase-Deficient Congenital Adrenal Hyperplasia. Also called: ADRENAL HYPERPLASIA III; ADRENAL HYPERPLASIA, CONGENITAL, DUE TO 21-HYDROXYLASE DEFICIENCY. Identifiers: MedGen C2936858, OMIM 201910.

Submissions (2):

PreventionGenetics, part of Exact Sciences
Classification: Uncertain significance for CYP21A2-related condition. Last evaluated: 2026-04-12. Review status: criteria provided, single submitter. Criteria: ACMG Guidelines, 2015. Collection method: clinical testing. Allele origin: germline.
Comment: The CYP21A2 c.1018C>T variant is predicted to result in the amino acid substitution p.Arg340Cys. To our knowledge, this variant has not been reported individuals with congenital adrenal hyperplasia (CAH) in the literature. This variant is reported in 0.016% of alleles in individuals of South Asian descent in gnomAD. This variant falls within a highly paralogous region. Allele frequency data should be interpreted with caution. Of note, a different substitution at the same codon, defined as c.1019G>A (p.Arg340His), has been reported to be pathogenic for CAH and likely associated with non-classic CAH due to higher remaining enzyme activity within the range resulting from typical non-classic CAH variants (Turan et al. 2020. PubMed ID: 31586465; Jeske et al. 2009. PubMed ID: 19449670; in vitro studies in Helmberg et al. 1992. PubMed ID: 1406709). In a structure-phenotype correlation study of CYP21A2 variants to CAH, substitutions at the p.Arg340 residue (aka R339), such as p.Arg340His (aka R339H), were suggested to fall into the category of pathogenic variants associated with non-classic CAH due to disturbed oxidoreductase interactions (Haider et al. 2013. PubMed ID: 23359706). Although we suspect that the c.1018C>T (p.Arg340Cys) variant is pathogenic, at this time, the clinical significance of this variant is uncertain due to the absence of conclusive functional and genetic evidence.

Newborn Screening Ontario, Children's Hospital of Eastern Ontario (CHEO)
Classification: Uncertain significance for 21-Hydroxylase-Deficient Congenital Adrenal Hyperplasia. Last evaluated: 2022-06-01. Review status: criteria provided, single submitter. Criteria: ACMG Guidelines, 2015. Collection method: clinical testing. Allele origin: germline. Inheritance: Autosomal recessive inheritance.

NM_000500.9(CYP21A2):c.1018C>T (p.Arg340Cys)

Genes: CYP21A2 (cytochrome P450 family 21 subfamily A member 2; plus strand), LOC106780800 (CYP21A2 recombination region; plus strand). Cytogenetic location: 6p21.33.
Variant type: single nucleotide variant.
Coding change: c.1018C>T on transcript NM_000500.9 (MANE Select); coding-DNA position 1018, C replaced by T.
Protein change: p.Arg340Cys; replaces arginine 340 with cysteine.
Molecular consequence: missense variant.
Genome position (GRCh38, 1-based): chr6:32,040,484, C>T. VCF-style: chr6-32040484-C-T. GRCh37 (hg19) VCF-style: chr6-32008261-C-T.
Other names: c.928C>T, p.Arg310Cys (NM_001128590.4); c.613C>T, p.Arg205Cys (NM_001368143.2, NM_001368144.2); c.1018C>T (NM_000500.7); short protein forms R205C, R310C, R340C.
Identifiers: ClinVar variation 4075790 (VCV004075790.2).